The following is an entry in ClinVar:

ClinVar aggregate classification (germline): Likely pathogenic (1 of 4 stars; one submission).

Allele frequency attached by ClinVar (database versions not stated): gnomAD exomes below 0.00001.
gnomAD v4.1: 1 of 1,613,424 alleles (0.000062%); highest among the groups gnomAD compares: Non-Finnish European, 0.000085%; no homozygotes.

Submission:

Labcorp Genetics (formerly Invitae), Labcorp
Classification: Likely pathogenic. Last evaluated: 2023-02-27. Review status: criteria provided, single submitter. Criteria: Invitae Variant Classification Sherloc (09022015). Collection method: clinical testing. Allele origin: germline.
Comment: This variant has not been reported in the literature in individuals affected with LAMC3-related conditions. This variant is not present in population databases (gnomAD no frequency). This sequence change affects an acceptor splice site in intron 21 of the LAMC3 gene. It is expected to disrupt RNA splicing. Variants that disrupt the donor or acceptor splice site typically lead to a loss of protein function (PMID: 16199547), and loss-of-function variants in LAMC3 are known to be pathogenic (PMID: 21572413, 26802095). Algorithms developed to predict the effect of sequence changes on RNA splicing suggest that this variant may disrupt the consensus splice site. In summary, the currently available evidence indicates that the variant is pathogenic, but additional data are needed to prove that conclusively. Therefore, this variant has been classified as Likely Pathogenic.

Literature cited by the submitters: PubMed 16199547; PubMed 21572413; PubMed 26802095.

NM_006059.4(LAMC3):c.3630-2A>G

Gene: LAMC3 (laminin subunit gamma 3; plus strand). Cytogenetic location: 9q34.12.
Variant type: single nucleotide variant.
Coding change: c.3630-2A>G on transcript NM_006059.4 (MANE Select); the canonical splice acceptor site of the intron before coding-DNA position 3630, A replaced by G.
Molecular consequence: splice acceptor variant.
Genome position (GRCh38, 1-based): chr9:131,077,185, A>G. VCF-style: chr9-131077185-A-G. GRCh37 (hg19) VCF-style: chr9-133952572-A-G.
Identifiers: ClinVar variation 2841433 (VCV002841433.3), dbSNP rs2538314828, ClinGen allele CA375261110.